The following is an entry in ClinVar:

ClinVar aggregate classification (germline): Likely benign. Review status: criteria provided, multiple submitters, no conflicts (2 of 4 stars). 3 submissions from 3 submitters: Likely benign (2). 1 of the submissions does not count toward it. Last evaluated 2023-08-17.

Conditions:
SAMD11-related disorder. Also called: SAMD11-related condition.

Allele frequency attached by ClinVar (database versions not stated): gnomAD exomes below 0.00001; ExAC 0.00001; gnomAD 0.00001; TOPMed 0.00002.
gnomAD v4.1: 4 of 1,612,782 alleles (0.00025%); highest among the groups gnomAD compares: Admixed American, 0.0033%; no homozygotes.

Submissions (3):

Blueprint Genetics
Classification: Likely benign. Last evaluated: 2023-08-17. Review status: criteria provided, single submitter. Criteria: ACMG Guidelines, 2015. Collection method: clinical testing. Allele origin: germline.

Labcorp Genetics (formerly Invitae), Labcorp
Classification: Likely benign. Last evaluated: 2022-11-08. Review status: criteria provided, single submitter. Criteria: Invitae Variant Classification Sherloc (09022015). Collection method: clinical testing. Allele origin: germline.

PreventionGenetics, part of Exact Sciences
Classification: Likely benign for SAMD11-related condition. Last evaluated: 2019-07-12. Review status: no assertion criteria provided. Collection method: clinical testing. Allele origin: germline. Not counted in ClinVar's aggregate classification.
Comment: This variant is classified as likely benign based on ACMG/AMP sequence variant interpretation guidelines (Richards et al. 2015 PMID: 25741868, with internal and published modifications).

NM_001385641.1(SAMD11):c.2400G>A (p.Gln800=)

Gene: SAMD11 (sterile alpha motif domain containing 11; plus strand). Cytogenetic location: 1p36.33.
Variant type: single nucleotide variant.
Coding change: c.2400G>A on transcript NM_001385641.1 (MANE Select); coding-DNA position 2400, G replaced by A.
Protein change: p.Gln800=; no amino-acid change (glutamine 800 retained).
Molecular consequence: synonymous variant.
Genome position (GRCh38, 1-based): chr1:944,018, G>A. VCF-style: chr1-944018-G-A. GRCh37 (hg19) VCF-style: chr1-879398-G-A.
Other names: c.1911G>A (NM_152486.2); c.2403G>A, p.Gln801= (NM_001385640.1); c.1911G>A, p.Gln637= (NM_152486.4).
Identifiers: ClinVar variation 1639636 (VCV001639636.11), dbSNP rs770999837, ClinGen allele CA503385.